The following is an entry in ClinVar:

NM_032408.4(BAZ1B):c.4019G>A (p.Arg1340Lys)

Gene: BAZ1B (bromodomain adjacent to zinc finger domain 1B; minus strand). Cytogenetic location: 7q11.23.
Variant type: single nucleotide variant.
Coding change: c.4019G>A on transcript NM_032408.4 (MANE Select); coding-DNA position 4019, G replaced by A.
Protein change: p.Arg1340Lys; replaces arginine 1340 with lysine.
Molecular consequence: missense variant.
Genome position (GRCh38, 1-based): chr7:73,442,800, C>T on the plus strand (G>A on the coding strand, the complement: BAZ1B is on the minus strand). VCF-style: chr7-73442800-C-T. GRCh37 (hg19) VCF-style: chr7-72857130-C-T.
Other names: c.4019G>A, p.Arg1340Lys (NM_001370402.1); short protein forms R1340K.
Identifiers: ClinVar variation 715404 (VCV000715404.12), dbSNP rs150115317, ClinGen allele CA4287295.

ClinVar aggregate classification (germline): Likely benign. Review status: criteria provided, multiple submitters, no conflicts (2 of 4 stars). 3 submissions from 3 submitters: Likely benign (3). Last evaluated 2026-01-01.

Allele frequency attached by ClinVar (database versions not stated): 1000 Genomes Project 30x 0.00156; 1000 Genomes Project 0.00160; ExAC 0.00269; gnomAD exomes 0.00295 and 0.00421; gnomAD 0.00325 and 0.00334; TOPMed 0.00333; ESP Exome Variant Server 0.00415.
gnomAD v4.1: 6,606 of 1,614,066 alleles (0.41%); highest among the groups gnomAD compares: Non-Finnish European, 0.51%; 14 homozygotes.

Submissions (3):

CeGaT Center for Human Genetics Tuebingen
Classification: Likely benign. Last evaluated: 2026-01-01. Review status: criteria provided, single submitter. Criteria: CeGaT Center For Human Genetics Tuebingen Variant Classification Criteria Version 2. Collection method: clinical testing. Allele origin: germline. Affected: yes. Observed: 2 variant alleles.
Comment: BAZ1B: PP2, BS2

Labcorp Genetics (formerly Invitae), Labcorp
Classification: Likely benign. Last evaluated: 2019-12-31. Review status: criteria provided, single submitter. Criteria: Invitae Variant Classification Sherloc (09022015). Collection method: clinical testing. Allele origin: germline.

Breakthrough Genomics
Classification: Likely benign. Review status: criteria provided, single submitter. Criteria: ACMG Guidelines, 2015. Collection method: not provided. Allele origin: germline. Inheritance: Unknown mechanism. Affected: yes.